The following is an entry in ClinVar:

NM_001375765.1(GIGYF1):c.1692G>C (p.Gln564His)

Gene: GIGYF1 (GRB10 interacting GYF protein 1; minus strand). Cytogenetic location: 7q22.1.
Variant type: single nucleotide variant.
Coding change: c.1692G>C on transcript NM_001375765.1 (MANE Select); coding-DNA position 1692, G replaced by C.
Protein change: p.Gln564His; replaces glutamine 564 with histidine.
Molecular consequence: missense variant. On other transcripts: non-coding transcript variant (1).
Genome position (GRCh38, 1-based): chr7:100,684,275, C>G on the plus strand (G>C on the coding strand, the complement: GIGYF1 is on the minus strand). VCF-style: chr7-100684275-C-G. GRCh37 (hg19) VCF-style: chr7-100281898-C-G.
Other names: NM_022574.4:c.1692G>C; c.1692G>C, p.Gln564His (NM_001375759.1, NM_001375760.1, NM_001375761.1 and 6 more transcripts); short protein forms Q564H.
Identifiers: ClinVar variation 4029721 (VCV004029721.3).

ClinVar aggregate classification (germline): Uncertain significance. Review status: criteria provided, multiple submitters, no conflicts (2 of 4 stars). 2 submissions from 2 submitters: Uncertain significance (2). Last evaluated 2026-01-15.

gnomAD v4.1: 12 of 1,608,532 alleles (0.00075%); highest among the groups gnomAD compares: Admixed American, 0.0084%; no homozygotes.

Submissions (2):

Dasa
Classification: Uncertain significance. Last evaluated: 2026-01-15. Review status: criteria provided, single submitter. Criteria: DASA Assertion Criteria. Collection method: clinical testing. Allele origin: germline.
Comment: NM_001375765.1(GIGYF1):c.1692G>C (p.Gln564His) is a missense variant that results in the substitution of glutamine with histidine. This variant is rare in population databases. The currently available literature and clinical evidence are not sufficient to establish a definitive association between this variant and the reported condition. Therefore, this variant is classified as a variant of uncertain significance.

Ambry Genetics
Classification: Uncertain significance. Last evaluated: 2025-06-03. Review status: criteria provided, single submitter. Criteria: Ambry Variant Classification Scheme 2023. Collection method: clinical testing. Allele origin: germline.